The following is an entry in ClinVar:

ClinVar aggregate classification (germline): Uncertain significance (1 of 4 stars; one submission).

Submission:

Labcorp Genetics (formerly Invitae), Labcorp
Classification: Uncertain significance. Last evaluated: 2025-01-27. Review status: criteria provided, single submitter. Criteria: Invitae Variant Classification Sherloc (09022015). Collection method: clinical testing. Allele origin: germline.
Comment: This sequence change replaces aspartic acid, which is acidic and polar, with glutamic acid, which is acidic and polar, at codon 232 of the VDR protein (p.Asp232Glu). This variant is not present in population databases (gnomAD no frequency). This variant has not been reported in the literature in individuals affected with VDR-related conditions. ClinVar contains an entry for this variant (Variation ID: 2119717). Invitae Evidence Modeling of protein sequence and biophysical properties (such as structural, functional, and spatial information, amino acid conservation, physicochemical variation, residue mobility, and thermodynamic stability) indicates that this missense variant is not expected to disrupt VDR protein function with a negative predictive value of 80%. In summary, the available evidence is currently insufficient to determine the role of this variant in disease. Therefore, it has been classified as a Variant of Uncertain Significance.

NM_000376.3(VDR):c.696C>G (p.Asp232Glu)

Gene: VDR (vitamin D receptor; minus strand). Cytogenetic location: 12q13.11.
Variant type: single nucleotide variant.
Coding change: c.696C>G on transcript NM_000376.3 (MANE Select); coding-DNA position 696, C replaced by G.
Protein change: p.Asp232Glu; replaces aspartic acid 232 with glutamic acid.
Molecular consequence: missense variant.
Genome position (GRCh38, 1-based): chr12:47,855,689, G>C on the plus strand (C>G on the coding strand, the complement: VDR is on the minus strand). VCF-style: chr12-47855689-G-C. GRCh37 (hg19) VCF-style: chr12-48249472-G-C.
Other names: c.696C>G, p.Asp232Glu (NM_001017535.2, NM_001364085.2, NM_001374661.1 and 1 more transcripts); c.846C>G, p.Asp282Glu (NM_001017536.2); short protein forms D282E, D232E.
Identifiers: ClinVar variation 2119717 (VCV002119717.4), dbSNP rs2539981075, ClinGen allele CA384518353.